The following is an entry in ClinVar:

NM_006031.6(PCNT):c.9342C>T (p.Pro3114=)

Gene: PCNT (pericentrin; plus strand). Cytogenetic location: 21q22.3.
Variant type: single nucleotide variant.
Coding change: c.9342C>T on transcript NM_006031.6 (MANE Select); coding-DNA position 9342, C replaced by T.
Protein change: p.Pro3114=; no amino-acid change (proline 3114 retained).
Molecular consequence: synonymous variant.
Genome position (GRCh38, 1-based): chr21:46,440,151, C>T. VCF-style: chr21-46440151-C-T. GRCh37 (hg19) VCF-style: chr21-47860064-C-T.
Other names: c.8751C>T, p.Pro2917= (NM_001315529.2); c.9342C>T (NM_006031.5).
Identifiers: ClinVar variation 1934818 (VCV001934818.6), dbSNP rs559240010, ClinGen allele CA10081295.
Genomic context (GRCh38, chr21:46,440,151, plus strand): 5'-AAGGTCTGCTTGGAAGCCAGACGAAACGGCTCCACAGAGTTCCCTGAGGCGCCCAGACCC[C>T]GGCCGGCTTCCACCAGCTGCCAGCGAGGAAGCACACACCAGCAATGTCAAGGTAGGAACG-3'
Protein context (NP_006022.3, residues 3104-3124): APQSSLRRPD[Pro3114=]GRLPPAASEE

ClinVar aggregate classification (germline): Likely benign. Review status: criteria provided, single submitter (1 of 4 stars). 2 submissions from 2 submitters: Likely benign (1). 1 of the submissions does not count toward it. Last evaluated 2023-10-04.

Conditions:
PCNT-related disorder. Also called: PCNT-related condition.

Allele frequency attached by ClinVar (database versions not stated): ExAC 0.00001; TOPMed 0.00003; gnomAD 0.00004; 1000 Genomes Project 30x 0.00016; 1000 Genomes Project 0.00020.
gnomAD v4.1: 17 of 1,614,132 alleles (0.0011%); highest among the groups gnomAD compares: African/African-American, 0.008%; no homozygotes.

Submissions (2):

Labcorp Genetics (formerly Invitae), Labcorp
Classification: Likely benign. Last evaluated: 2023-10-04. Review status: criteria provided, single submitter. Criteria: Invitae Variant Classification Sherloc (09022015). Collection method: clinical testing. Allele origin: germline.

PreventionGenetics, part of Exact Sciences
Classification: Likely benign for PCNT-related condition. Last evaluated: 2022-02-17. Review status: no assertion criteria provided. Collection method: clinical testing. Allele origin: germline. Not counted in ClinVar's aggregate classification.
Comment: This variant is classified as likely benign based on ACMG/AMP sequence variant interpretation guidelines (Richards et al. 2015 PMID: 25741868, with internal and published modifications).